The following is an entry in ClinVar:

NM_016507.4(CDK12):c.1840T>C (p.Ser614Pro)

Gene: CDK12 (cyclin dependent kinase 12; plus strand). Cytogenetic location: 17q12.
Variant type: single nucleotide variant.
Coding change: c.1840T>C on transcript NM_016507.4 (MANE Select); coding-DNA position 1840, T replaced by C.
Protein change: p.Ser614Pro; replaces serine 614 with proline.
Molecular consequence: missense variant.
Genome position (GRCh38, 1-based): chr17:39,471,672, T>C. VCF-style: chr17-39471672-T-C. GRCh37 (hg19) VCF-style: chr17-37627925-T-C.
Other names: c.1840T>C, p.Ser614Pro (NM_015083.4); short protein forms S614P.
Identifiers: ClinVar variation 3830676 (VCV003830676.1).

ClinVar aggregate classification (germline): Uncertain significance (1 of 4 stars; one submission).

gnomAD v4.1: 3 of 1,613,952 alleles (0.00019%); highest among the groups gnomAD compares: Non-Finnish European, 0.00025%; no homozygotes.

Submission:

Ambry Genetics
Classification: Uncertain significance. Last evaluated: 2025-02-16. Review status: criteria provided, single submitter. Criteria: Ambry Variant Classification Scheme 2023. Collection method: clinical testing. Allele origin: germline.
Comment: The p.S614P variant (also known as c.1840T>C), located in coding exon 2 of the CDK12 gene, results from a T to C substitution at nucleotide position 1840. The serine at codon 614 is replaced by proline, an amino acid with similar properties. This amino acid position is conserved. In addition, this alteration is predicted to be tolerated by in silico analysis. Based on the available evidence, the clinical significance of this variant remains unclear.